The following is an entry in ClinVar:

ClinVar aggregate classification (germline): Likely benign. Review status: criteria provided, multiple submitters, no conflicts (2 of 4 stars). 4 submissions from 4 submitters: Likely benign (4). Last evaluated 2026-02-19.

Conditions:
TTN-related disorder. Also called: TTN-related condition; TTN-related disease; TTN-related disorders.
Cardiovascular phenotype. Identifiers: MedGen CN230736.
Autosomal recessive limb-girdle muscular dystrophy type 2J (LGMDR10). Also called: Limb-girdle muscular dystrophy, type 2J; MUSCULAR DYSTROPHY, LIMB-GIRDLE, AUTOSOMAL RECESSIVE 10. Identifiers: Orphanet 140922, MedGen C1837342, MONDO:0012127, OMIM 608807.
Dilated cardiomyopathy 1G (CMD1G). Identifiers: Orphanet 154, MedGen C1858763, MONDO:0011400, OMIM 604145.

gnomAD v4.1: 11 of 1,613,628 alleles (0.00068%); highest among the groups gnomAD compares: African/African-American, 0.011%; no homozygotes.

Submissions (4):

PreventionGenetics, part of Exact Sciences
Classification: Likely benign for TTN-related condition. Last evaluated: 2026-02-19. Review status: criteria provided, single submitter. Criteria: ACMG Guidelines, 2015. Collection method: clinical testing. Allele origin: germline.
Comment: This variant is classified as likely benign based on ACMG/AMP sequence variant interpretation guidelines (Richards et al. 2015 PMID: 25741868, with internal and published modifications).

Women's Health and Genetics/Laboratory Corporation of America, LabCorp
Classification: Likely benign. Last evaluated: 2026-02-07. Review status: criteria provided, single submitter. Criteria: LabCorp Variant Classification Summary - May 2015. Collection method: clinical testing. Allele origin: germline.

Labcorp Genetics (formerly Invitae), Labcorp
Classification: Likely benign for Dilated cardiomyopathy 1G; Autosomal recessive limb-girdle muscular dystrophy type 2J. Last evaluated: 2026-01-07. Review status: criteria provided, single submitter. Criteria: Invitae Variant Classification Sherloc (09022015). Collection method: clinical testing. Allele origin: germline.

Ambry Genetics
Classification: Likely benign for Cardiovascular phenotype. Last evaluated: 2021-03-16. Review status: criteria provided, single submitter. Criteria: Ambry Variant Classification Scheme 2023. Collection method: clinical testing. Allele origin: germline.

NM_001267550.2(TTN):c.85846C>A (p.Arg28616=)

Genes: TTN (titin; minus strand), TTN-AS1 (TTN antisense RNA 1; plus strand). Cytogenetic location: 2q31.2.
Variant type: single nucleotide variant.
Coding change: c.85846C>A on transcript NM_001267550.2 (MANE Select); coding-DNA position 85846, C replaced by A.
Protein change: p.Arg28616=; no amino-acid change (arginine 28616 retained).
Molecular consequence: synonymous variant.
Genome position (GRCh38, 1-based): chr2:178,560,286, G>T on the plus strand (C>A on the coding strand, the complement: TTN is on the minus strand). VCF-style: chr2-178560286-G-T. GRCh37 (hg19) VCF-style: chr2-179425013-G-T.
Other names: c.80923C>A, p.Arg26975= (NM_001256850.1); c.58651C>A, p.Arg19551= (NM_003319.4); c.78142C>A, p.Arg26048= (NM_133378.4); c.59026C>A, p.Arg19676= (NM_133432.3); c.59227C>A, p.Arg19743= (NM_133437.4).
Identifiers: ClinVar variation 1102685 (VCV001102685.13), dbSNP rs754025981, ClinGen allele CA60984361.